The following is an entry in ClinVar:

NM_014874.4(MFN2):c.1811T>C (p.Val604Ala)

Gene: MFN2 (mitofusin 2; plus strand). Cytogenetic location: 1p36.22.
Variant type: single nucleotide variant.
Coding change: c.1811T>C on transcript NM_014874.4 (MANE Select); coding-DNA position 1811, T replaced by C.
Protein change: p.Val604Ala; replaces valine 604 with alanine.
Molecular consequence: missense variant.
Genome position (GRCh38, 1-based): chr1:12,006,632, T>C. VCF-style: chr1-12006632-T-C. GRCh37 (hg19) VCF-style: chr1-12066689-T-C.
Other names: c.1811T>C, p.Val604Ala (NM_001127660.2); short protein forms V604A.
Identifiers: ClinVar variation 3660893 (VCV003660893.2).

ClinVar aggregate classification (germline): Uncertain significance (1 of 4 stars; one submission).

Conditions:
Charcot-Marie-Tooth disease type 2. Also called: Charcot-Marie-Tooth type 2. Identifiers: Orphanet 64746, MedGen C0270914, MONDO:0018993.

Submission:

Labcorp Genetics (formerly Invitae), Labcorp
Classification: Uncertain significance for Charcot-Marie-Tooth disease type 2. Last evaluated: 2024-07-30. Review status: criteria provided, single submitter. Criteria: Invitae Variant Classification Sherloc (09022015). Collection method: clinical testing. Allele origin: germline.
Comment: This sequence change replaces valine, which is neutral and non-polar, with alanine, which is neutral and non-polar, at codon 604 of the MFN2 protein (p.Val604Ala). This variant is not present in population databases (gnomAD no frequency). This variant has not been reported in the literature in individuals affected with MFN2-related conditions. Advanced modeling of protein sequence and biophysical properties (such as structural, functional, and spatial information, amino acid conservation, physicochemical variation, residue mobility, and thermodynamic stability) performed at Invitae indicates that this missense variant is not expected to disrupt MFN2 protein function with a negative predictive value of 95%. In summary, the available evidence is currently insufficient to determine the role of this variant in disease. Therefore, it has been classified as a Variant of Uncertain Significance.